The following is an entry in ClinVar:

ClinVar aggregate classification (germline): Uncertain significance (1 of 4 stars; one submission).

Conditions:
Epileptic encephalopathy. Identifiers: MedGen C0543888, HP:0200134.

Allele frequency attached by ClinVar (database versions not stated): TOPMed below 0.00001.

Submission:

Labcorp Genetics (formerly Invitae), Labcorp
Classification: Uncertain significance for Epileptic encephalopathy. Last evaluated: 2022-10-13. Review status: criteria provided, single submitter. Criteria: Invitae Variant Classification Sherloc (09022015). Collection method: clinical testing. Allele origin: germline.
Comment: ClinVar contains an entry for this variant (Variation ID: 1466592). In summary, the available evidence is currently insufficient to determine the role of this variant in disease. Therefore, it has been classified as a Variant of Uncertain Significance. Algorithms developed to predict the effect of missense changes on protein structure and function output the following: SIFT: "Tolerated"; PolyPhen-2: "Benign"; Align-GVGD: "Class C0". The lysine amino acid residue is found in multiple mammalian species, which suggests that this missense change does not adversely affect protein function. This variant has not been reported in the literature in individuals affected with FASN-related conditions. This variant is not present in population databases (gnomAD no frequency). This sequence change replaces glutamic acid, which is acidic and polar, with lysine, which is basic and polar, at codon 1205 of the FASN protein (p.Glu1205Lys).

NM_004104.5(FASN):c.3613G>A (p.Glu1205Lys)

Gene: FASN (fatty acid synthase; minus strand). Cytogenetic location: 17q25.3.
Variant type: single nucleotide variant.
Coding change: c.3613G>A on transcript NM_004104.5 (MANE Select); coding-DNA position 3613, G replaced by A.
Protein change: p.Glu1205Lys; replaces glutamic acid 1205 with lysine.
Molecular consequence: missense variant.
Genome position (GRCh38, 1-based): chr17:82,086,373, C>T on the plus strand (G>A on the coding strand, the complement: FASN is on the minus strand). VCF-style: chr17-82086373-C-T. GRCh37 (hg19) VCF-style: chr17-80044249-C-T.
Other names: short protein forms E1205K.
Identifiers: ClinVar variation 1466592 (VCV001466592.8), dbSNP rs1273965984, ClinGen allele CA401551701.